The following is an entry in ClinVar:

NM_005709.4(USH1C):c.1237G>A (p.Glu413Lys)

Gene: USH1C (USH1 protein network component harmonin; minus strand). Cytogenetic location: 11p15.1.
Variant type: single nucleotide variant.
Coding change: c.1237G>A on transcript NM_005709.4 (MANE Plus Clinical); coding-DNA position 1237, G replaced by A.
Protein change: p.Glu413Lys; replaces glutamic acid 413 with lysine.
Molecular consequence: missense variant. On other transcripts: intron variant (1).
Genome position (GRCh38, 1-based): chr11:17,517,448, C>T on the plus strand (G>A on the coding strand, the complement: USH1C is on the minus strand). VCF-style: chr11-17517448-C-T. GRCh37 (hg19) VCF-style: chr11-17538995-C-T.
Other names: c.1180G>A, p.Glu394Lys (NM_001297764.2); c.1211-1158G>A (NM_153676.4); c.1237G>A (NM_005709.3); short protein forms E413K, E394K.
Identifiers: ClinVar variation 2195505 (VCV002195505.4), dbSNP rs752129544, ClinGen allele CA5904670.

ClinVar aggregate classification (germline): Uncertain significance. Review status: criteria provided, multiple submitters, no conflicts (2 of 4 stars). 4 submissions from 4 submitters: Uncertain significance (4). Last evaluated 2026-06-12.

Conditions:
USH1C-related disorder. Also called: USH1C-related condition.
Inborn genetic diseases. Identifiers: MedGen C0950123, MeSH D030342.

Allele frequency attached by ClinVar (database versions not stated): TOPMed 0.00001; ExAC 0.00014.
gnomAD v4.1: 37 of 1,595,834 alleles (0.0023%); highest among the groups gnomAD compares: Middle Eastern, 0.017%; no homozygotes.

Submissions (4):

PreventionGenetics, part of Exact Sciences
Classification: Uncertain significance for USH1C-related condition. Last evaluated: 2026-06-12. Review status: criteria provided, single submitter. Criteria: ACMG Guidelines, 2015. Collection method: clinical testing. Allele origin: germline.
Comment: The USH1C c.1237G>A variant is predicted to result in the amino acid substitution p.Glu413Lys. To our knowledge, this variant has not been reported in the literature. This variant is reported in 0.0075% of alleles in individuals of South Asian descent in gnomAD. At this time, the clinical significance of this variant is uncertain due to the absence of conclusive functional and genetic evidence.

GeneDx
Classification: Uncertain significance. Last evaluated: 2025-06-26. Review status: criteria provided, single submitter. Criteria: GeneDx Variant Classification Process June 2021. Collection method: clinical testing. Allele origin: germline. Affected: yes.
Comment: Not observed at significant frequency in large population cohorts (gnomAD); In silico analysis suggests that this missense variant does not alter protein structure/function; Has not been previously published as pathogenic or benign to our knowledge

Labcorp Genetics (formerly Invitae), Labcorp
Classification: Uncertain significance. Last evaluated: 2022-08-19. Review status: criteria provided, single submitter. Criteria: Invitae Variant Classification Sherloc (09022015). Collection method: clinical testing. Allele origin: germline.
Comment: This sequence change replaces glutamic acid, which is acidic and polar, with lysine, which is basic and polar, at codon 413 of the USH1C protein (p.Glu413Lys). The frequency data for this variant in the population databases is considered unreliable, as metrics indicate poor data quality at this position in the gnomAD database. This variant has not been reported in the literature in individuals affected with USH1C-related conditions. Algorithms developed to predict the effect of missense changes on protein structure and function (SIFT, PolyPhen-2, Align-GVGD) all suggest that this variant is likely to be tolerated. In summary, the available evidence is currently insufficient to determine the role of this variant in disease. Therefore, it has been classified as a Variant of Uncertain Significance.

Ambry Genetics
Classification: Uncertain significance for Inborn genetic diseases. Last evaluated: 2022-04-12. Review status: criteria provided, single submitter. Criteria: Ambry Variant Classification Scheme 2023. Collection method: clinical testing. Allele origin: germline.